The following is an entry in ClinVar:

NM_001386298.1(CIC):c.2978G>A (p.Arg993Gln)

Gene: CIC (capicua transcriptional repressor; plus strand). Cytogenetic location: 19q13.2.
Variant type: single nucleotide variant.
Coding change: c.2978G>A on transcript NM_001386298.1 (MANE Select); coding-DNA position 2978, G replaced by A.
Protein change: p.Arg993Gln; replaces arginine 993 with glutamine.
Molecular consequence: missense variant.
Genome position (GRCh38, 1-based): chr19:42,287,039, G>A. VCF-style: chr19-42287039-G-A. GRCh37 (hg19) VCF-style: chr19-42791191-G-A.
Other names: c.2978G>A, p.Arg993Gln (NM_001304815.2, NM_001379480.1, NM_001379482.1 and 6 more transcripts); c.251G>A, p.Arg84Gln (NM_001379484.1, NM_001439190.1, NM_001439191.1 and 3 more transcripts); short protein forms R84Q, R993Q.
Identifiers: ClinVar variation 4887289 (VCV004887289.1).
Genomic context (GRCh38, chr19:42,287,039, plus strand): 5'-CCCTCTGATCTACCTCTGTGTCCCCAGAACCTGCTGAGTCGGCAGCTGTTGCTCATGAAC[G>A]GCCACCAGGTGGGACAGGGAGTGCTGACCCTGAGCGGCCCCCTGGAGCCACATGCCCTGA-3'
Protein context (NP_001373227.1, residues 983-1003): PAESAAVAHE[Arg993Gln]PPGGTGSADP

ClinVar aggregate classification (germline): Uncertain significance (1 of 4 stars; one submission).

gnomAD v4.1: 15 of 1,611,418 alleles (0.00093%); highest among the groups gnomAD compares: Admixed American, 0.012%; no homozygotes.

Submission:

Women's Health and Genetics/Laboratory Corporation of America, LabCorp
Classification: Uncertain significance. Last evaluated: 2026-06-12. Review status: criteria provided, single submitter. Criteria: LabCorp Variant Classification Summary - May 2015. Collection method: clinical testing. Allele origin: germline.
Comment: Variant summary: CIC c.251G>A (p.Arg84Gln) results in a conservative amino acid change in the encoded protein sequence. Algorithms developed to predict the effect of missense changes on protein structure and function all suggest that this variant is likely to be tolerated. The variant allele was found at a frequency of 1.2e-05 in 247678 control chromosomes. The available data on variant occurrences in the general population are insufficient to allow any conclusion about variant significance. To our knowledge, no occurrence of c.251G>A in individuals affected with CIC-related conditions and no experimental evidence demonstrating its impact on protein function have been reported. No submitters have cited clinical-significance assessments for this variant to ClinVar. Based on the evidence outlined above, the variant was classified as uncertain significance.